The following is an entry in ClinVar:

NM_003072.5(SMARCA4):c.3000G>A (p.Met1000Ile)

Gene: SMARCA4 (SWI/SNF related BAF chromatin remodeling complex subunit ATPase 4; plus strand). Cytogenetic location: 19p13.2.
Variant type: single nucleotide variant.
Coding change: c.3000G>A on transcript NM_003072.5 (MANE Select); coding-DNA position 3000, G replaced by A.
Protein change: p.Met1000Ile; replaces methionine 1000 with isoleucine.
Molecular consequence: missense variant. On other transcripts: non-coding transcript variant (1).
Genome position (GRCh38, 1-based): chr19:11,024,357, G>A. VCF-style: chr19-11024357-G-A. GRCh37 (hg19) VCF-style: chr19-11135033-G-A.
Other names: c.3000G>A, p.Met1000Ile (NM_001128844.3, NM_001128845.2, NM_001128846.2 and 6 more transcripts); short protein forms M1000I.
Identifiers: ClinVar variation 3600703 (VCV003600703.1).

ClinVar aggregate classification (germline): Uncertain significance (1 of 4 stars; one submission).

Submission:

GeneDx
Classification: Uncertain significance. Last evaluated: 2024-07-22. Review status: criteria provided, single submitter. Criteria: GeneDx Variant Classification Process June 2021. Collection method: clinical testing. Allele origin: germline. Affected: yes.
Comment: Not observed at significant frequency in large population cohorts (gnomAD); In silico analysis supports that this missense variant has a deleterious effect on protein structure/function; Has not been previously published as pathogenic or benign to our knowledge; This variant is associated with the following publications: (PMID: 24658002)